The following is an entry in ClinVar:

NM_001283009.2(RTEL1):c.2568C>G (p.Cys856Trp)

Genes: RTEL1 (regulator of telomere elongation helicase 1; plus strand), RTEL1-TNFRSF6B (RTEL1-TNFRSF6B readthrough (NMD candidate); plus strand). Cytogenetic location: 20q13.33.
Variant type: single nucleotide variant.
Coding change: c.2568C>G on transcript NM_001283009.2 (MANE Select); coding-DNA position 2568, C replaced by G.
Protein change: p.Cys856Trp; replaces cysteine 856 with tryptophan.
Molecular consequence: missense variant. On other transcripts: non-coding transcript variant (1).
Genome position (GRCh38, 1-based): chr20:63,691,753, C>G. VCF-style: chr20-63691753-C-G. GRCh37 (hg19) VCF-style: chr20-62323106-C-G.
Other names: c.1899C>G, p.Cys633Trp (NM_001283010.1); c.2568C>G, p.Cys856Trp (NM_016434.4); c.2640C>G, p.Cys880Trp (NM_032957.5); short protein forms C633W, C856W, C880W.
Identifiers: ClinVar variation 665359 (VCV000665359.8), dbSNP rs1465417616, ClinGen allele CA409682243.
Genomic context (GRCh38, chr20:63,691,753, plus strand): 5'-GAGTGTGTGGTTGGGGTCTGTGTGTGGTTGTGAGCTGTGTCCTCCTCAGGCCCACAGCTG[C>G]TCCACCCTGTCCCTCCTGTCTGAGAAGAGGCCGGCAGAAGAACCGCGAGGAGGGAGGAAG-3'
Protein context (NP_001269938.1, residues 846-866): GSPGEEQAHS[Cys856Trp]STLSLLSEKR

ClinVar aggregate classification (germline): Uncertain significance. Review status: criteria provided, multiple submitters, no conflicts (2 of 4 stars). 3 submissions from 3 submitters: Uncertain significance (2). 1 of the submissions does not count toward it. Last evaluated 2025-04-29.

Conditions:
Dyskeratosis congenita, autosomal recessive 5 (DKCB5). Identifiers: MedGen C3554656, MONDO:0014076, OMIM 615190.
Pulmonary fibrosis and/or bone marrow failure, Telomere-related, 3. Also called: PULMONARY FIBROSIS AND/OR BONE MARROW FAILURE SYNDROME, TELOMERE-RELATED, 3. Identifiers: Orphanet 2032, MedGen C4225346, MONDO:0014613, OMIM 616373.
Dyskeratosis congenita. Identifiers: Orphanet 1775, MedGen C0265965, MONDO:0015780.
Inborn genetic diseases. Identifiers: MedGen C0950123, MeSH D030342.

Allele frequency attached by ClinVar (database versions not stated): gnomAD exomes below 0.00001; TOPMed below 0.00001; gnomAD 0.00001.
gnomAD v4.1: 4 of 1,612,310 alleles (0.00025%); highest among the groups gnomAD compares: African/African-American, 0.0013%; no homozygotes.

Submissions (3):

Ambry Genetics
Classification: Uncertain significance for Inborn genetic diseases. Last evaluated: 2025-04-29. Review status: criteria provided, single submitter. Criteria: Ambry Variant Classification Scheme 2023. Collection method: clinical testing. Allele origin: germline.
Comment: The p.C856W variant (also known as c.2568C>G), located in coding exon 27 of the RTEL1 gene, results from a C to G substitution at nucleotide position 2568. The cysteine at codon 856 is replaced by tryptophan, an amino acid with highly dissimilar properties. This amino acid position is conserved. In addition, this alteration is predicted to be tolerated by in silico analysis. Based on the available evidence, the clinical significance of this variant remains unclear.

Labcorp Genetics (formerly Invitae), Labcorp
Classification: Uncertain significance for Dyskeratosis congenita, autosomal recessive 5; Pulmonary fibrosis and/or bone marrow failure, Telomere-related, 3. Last evaluated: 2021-09-02. Review status: criteria provided, single submitter. Criteria: Invitae Variant Classification Sherloc (09022015). Collection method: clinical testing. Allele origin: germline.
Comment: This sequence change replaces cysteine with tryptophan at codon 856 of the RTEL1 protein (p.Cys856Trp). The cysteine residue is weakly conserved and there is a large physicochemical difference between cysteine and tryptophan. This variant is not present in population databases (ExAC no frequency). This variant has not been reported in the literature in individuals affected with RTEL1-related conditions. Algorithms developed to predict the effect of missense changes on protein structure and function are either unavailable or do not agree on the potential impact of this missense change (SIFT: "Deleterious"; PolyPhen-2: "Benign"; Align-GVGD: "Class C0"). In summary, the available evidence is currently insufficient to determine the role of this variant in disease. Therefore, it has been classified as a Variant of Uncertain Significance.

Natera, Inc.
Classification: Uncertain significance for Dyskeratosis congenita. Last evaluated: 2021-10-11. Review status: no assertion criteria provided. Collection method: clinical testing. Allele origin: germline. Not counted in ClinVar's aggregate classification.